The following is an entry in ClinVar:

ClinVar aggregate classification (germline): Pathogenic. Review status: criteria provided, multiple submitters, no conflicts (2 of 4 stars). 2 submissions from 2 submitters: Pathogenic (2). Last evaluated 2024-07-05.

Conditions:
Cardiovascular phenotype. Identifiers: MedGen CN230736.
Hereditary cancer-predisposing syndrome. Also called: Tumor predisposition; Hereditary neoplastic syndrome; Neoplastic Syndromes, Hereditary; Hereditary Cancer Syndrome. Identifiers: Orphanet 140162, MedGen C0027672, MeSH D009386, MONDO:0015356.

Submissions (2):

Ambry Genetics
Classification: Pathogenic for Cardiovascular phenotype; Hereditary cancer-predisposing syndrome. Last evaluated: 2024-07-05. Review status: criteria provided, single submitter. Criteria: Ambry Variant Classification Scheme 2023. Collection method: clinical testing. Allele origin: germline.
Comment: The c.209_216delAGCACACA pathogenic mutation, located in coding exon 2 of the LZTR1 gene, results from a deletion of 8 nucleotides at nucleotide positions 209 to 216, causing a translational frameshift with a predicted alternate stop codon (p.K70Sfs*5). This alteration is expected to result in loss of function by premature protein truncation or nonsense-mediated mRNA decay. Loss-of-function variants in LZTR1 are related to an increased risk for schwannomas and autosomal recessive Noonan syndrome; however, such associations with autosomal dominant Noonan syndrome have not been observed (Piotrowski A et al. Nat Genet. 2014 Feb;46:182-7; Yamamoto GL et al. J Med Genet. 2015 Jun;52:413-21; Johnston JJ et al. Genet Med. 2018 10;20:1175-1185). Based on the supporting evidence, this variant is pathogenic for an increased risk of LZTR1-related schwannomatosis (SWN) and would be expected to cause autosomal recessive Noonan syndrome when present along with a second pathogenic or likely pathogenic variant on the other allele; however, the association of this alteration with autosomal dominant Noonan syndrome is unlikely.

Labcorp Genetics (formerly Invitae), Labcorp
Classification: Pathogenic. Last evaluated: 2023-06-05. Review status: criteria provided, single submitter. Criteria: Invitae Variant Classification Sherloc (09022015). Collection method: clinical testing. Allele origin: germline.
Comment: For these reasons, this variant has been classified as Pathogenic. ClinVar contains an entry for this variant (Variation ID: 2177233). This variant is not present in population databases (gnomAD no frequency). This variant has not been reported in the literature in individuals affected with LZTR1-related conditions. This sequence change creates a premature translational stop signal (p.Lys70Serfs*5) in the LZTR1 gene. It is expected to result in an absent or disrupted protein product. Loss-of-function variants in LZTR1 are known to be pathogenic (PMID: 24362817, 25335493, 25480913, 25795793, 29469822, 30368668, 30442762, 30442766, 30481304, 30859559).

Literature cited by the submitters: PubMed 24362817 (cited by Labcorp Genetics (formerly Invitae), Labcorp); PubMed 25335493 (cited by Labcorp Genetics (formerly Invitae), Labcorp); PubMed 25480913 (cited by Labcorp Genetics (formerly Invitae), Labcorp); PubMed 25795793 (cited by Labcorp Genetics (formerly Invitae), Labcorp); PubMed 29469822 (cited by Labcorp Genetics (formerly Invitae), Labcorp); PubMed 30368668 (cited by Labcorp Genetics (formerly Invitae), Labcorp); PubMed 30442762 (cited by Labcorp Genetics (formerly Invitae), Labcorp); PubMed 30442766 (cited by Labcorp Genetics (formerly Invitae), Labcorp); PubMed 30481304 (cited by Labcorp Genetics (formerly Invitae), Labcorp); PubMed 30859559 (cited by Labcorp Genetics (formerly Invitae), Labcorp).

NM_006767.4(LZTR1):c.209_216del (p.Lys70fs)

Gene: LZTR1 (leucine zipper like post translational regulator 1; plus strand). Cytogenetic location: 22q11.21.
Variant type: Deletion.
Coding change: c.209_216del on transcript NM_006767.4 (MANE Select); coding-DNA positions 209 to 216, 8 bases deleted (AGCACACA; older notation c.209_216delAGCACACA).
Protein change: p.Lys70fs; shifts the reading frame from lysine 70.
Molecular consequence: frameshift variant.
Genome position (GRCh38, 1-based): chr22:20,983,035-20,983,042, AGCACACA deleted; deleting any 8 consecutive bases within chr22:20,983,033-20,983,042 gives the same sequence; the c. name uses the placement nearest the transcript's 3' end. VCF-style (leftmost placement, unchanged base first): chr22-20983032-GCAAGCACA-G. GRCh37 (hg19) VCF-style: chr22-21337321-GCAAGCACA-G.
Other names: c.209_216delAGCACACA (NM_006767.3); short protein forms K70fs.
Identifiers: ClinVar variation 2177233 (VCV002177233.5), dbSNP rs1924255143, ClinGen allele CA2396636171.
Genomic context (GRCh38, chr22:20,983,032, plus strand): 5'-TGGGTGCCCCCCAGGAGGGTCCTGTCCTTACCGCCCTCCACTCCTTTCTTTCCAGGCGCA[GCAAGCACA>G]CAGTGGTGGCCTATAAAGATGCCATTTATGTATTTGGTGGAGACAATGGGTGAGTGAGTC-3'